The following is an entry in ClinVar:

NM_001166108.2(PALLD):c.*127C>G

Genes: CBR4 (carbonyl reductase 4; minus strand), PALLD (palladin, cytoskeletal associated protein; plus strand). Cytogenetic location: 4q32.3.
Variant type: single nucleotide variant.
Coding change: c.*127C>G on transcript NM_001166108.2 (MANE Select); 127 bases downstream of the stop codon, C replaced by G.
Molecular consequence: 3 prime UTR variant. On other transcripts: missense variant (4).
Genome position (GRCh38, 1-based): chr4:168,926,307, C>G. VCF-style: chr4-168926307-C-G. GRCh37 (hg19) VCF-style: chr4-169847458-C-G.
Other names: c.2256C>G, p.Ile752Met (NM_001166109.2); c.1941C>G, p.Ile647Met (NM_001166110.2); c.*127C>G (NM_001367567.1, NM_001367570.1, NM_016081.4); c.1332C>G, p.Ile444Met (NM_001367568.1); c.1281C>G, p.Ile427Met (NM_001367569.1); short protein forms I647M, I444M, I752M, I427M.
Identifiers: ClinVar variation 573865 (VCV000573865.9), dbSNP rs1306250811, ClinGen allele CA358716225.

ClinVar aggregate classification (germline): Uncertain significance. Review status: criteria provided, multiple submitters, no conflicts (2 of 4 stars). 2 submissions from 2 submitters: Uncertain significance (2). Last evaluated 2024-12-28.

Conditions:
Pancreatic adenocarcinoma. Identifiers: MedGen C0281361, MONDO:0006047, HP:0006725.

Allele frequency attached by ClinVar (database versions not stated): gnomAD exomes 0.00001.
gnomAD v4.1: 17 of 1,537,342 alleles (0.0011%); highest among the groups gnomAD compares: Non-Finnish European, 0.0014%; no homozygotes.

Submissions (2):

Ambry Genetics
Classification: Uncertain significance. Last evaluated: 2024-12-28. Review status: criteria provided, single submitter. Criteria: Ambry Variant Classification Scheme 2023. Collection method: clinical testing. Allele origin: germline.
Comment: The p.I647M variant (also known as c.1941C>G), located in coding exon 11 of the PALLD gene, results from a C to G substitution at nucleotide position 1941. The isoleucine at codon 647 is replaced by methionine, an amino acid with highly similar properties. This amino acid position is conserved. In addition, this alteration is predicted to be tolerated by in silico analysis. Based on the available evidence, the clinical significance of this variant remains unclear.

Labcorp Genetics (formerly Invitae), Labcorp
Classification: Uncertain significance for Pancreatic adenocarcinoma. Last evaluated: 2022-10-07. Review status: criteria provided, single submitter. Criteria: Invitae Variant Classification Sherloc (09022015). Collection method: clinical testing. Allele origin: germline.
Comment: This variant is present in population databases (no rsID available, gnomAD 0.003%). This sequence change replaces isoleucine, which is neutral and non-polar, with methionine, which is neutral and non-polar, at codon 647 of the PALLD protein (p.Ile647Met). This variant has not been reported in the literature in individuals affected with PALLD-related conditions. ClinVar contains an entry for this variant (Variation ID: 573865). Algorithms developed to predict the effect of missense changes on protein structure and function are either unavailable or do not agree on the potential impact of this missense change (SIFT: "Deleterious"; PolyPhen-2: "Benign"; Align-GVGD: "Class C0"). In summary, the available evidence is currently insufficient to determine the role of this variant in disease. Therefore, it has been classified as a Variant of Uncertain Significance.